The following is an entry in ClinVar:

NC_000007.14:g.(?_30615886)_(30633870_?)dup

Gene: GARS1 (glycyl-tRNA synthetase 1; plus strand). Cytogenetic location: 7p14.3.
Variant type: Duplication.
Identifiers: ClinVar variation 832586 (VCV000832586.2).

ClinVar aggregate classification (germline): Uncertain significance (1 of 4 stars; one submission).

Conditions:
Charcot-Marie-Tooth disease type 2. Also called: Charcot-Marie-Tooth type 2. Identifiers: Orphanet 64746, MedGen C0270914, MONDO:0018993.

Submission:

Labcorp Genetics (formerly Invitae), Labcorp
Classification: Uncertain significance for Charcot-Marie-Tooth disease type 2. Last evaluated: 2019-11-04. Review status: criteria provided, single submitter. Criteria: Invitae Variant Classification Sherloc (09022015). Collection method: clinical testing. Allele origin: germline.
Comment: This variant results in a copy number gain of the genomic region encompassing exons 9-17 of the GARS gene. The 5' boundary is likely confined to intron 8. The 3' end of this event is unknown as it extends beyond the assayed region for this gene and therefore may encompass additional genes. As the precise location of this event is unknown, it may be in tandem or it may be located elsewhere in the genome. This variant has not been reported in the literature in individuals with GARS-related conditions. In summary, the available evidence is currently insufficient to determine the role of this variant in disease. Therefore, it has been classified as a Variant of Uncertain Significance.